The following is an entry in ClinVar:

ClinVar aggregate classification (germline): Benign/Likely benign. Review status: criteria provided, multiple submitters, no conflicts (2 of 4 stars). 12 submissions from 12 submitters: Benign (9); Likely benign (1). 2 of the submissions do not count toward it. Last evaluated 2026-02-04.

Conditions:
MPI-congenital disorder of glycosylation. Also called: CDG Ib; MANNOSEPHOSPHATE ISOMERASE DEFICIENCY; PROTEIN-LOSING ENTEROPATHY-HEPATIC FIBROSIS SYNDROME; MPI-CDG; CONGENITAL DISORDER OF GLYCOSYLATION, TYPE Ib; MPI DEFICIENCY. Identifiers: Orphanet 79319, MedGen C1865145, MONDO:0011257, OMIM 602579.

Allele frequency attached by ClinVar (database versions not stated): 1000 Genomes Project 0.21366; 1000 Genomes Project 30x 0.21768; TOPMed 0.34911; gnomAD 0.35163 and 0.35866; ExAC 0.36891; gnomAD exomes 0.37383 and 0.48239; ESP Exome Variant Server 0.38155.

Submissions (12):

Labcorp Genetics (formerly Invitae), Labcorp
Classification: Benign for MPI-congenital disorder of glycosylation. Last evaluated: 2026-02-04. Review status: criteria provided, single submitter. Criteria: Invitae Variant Classification Sherloc (09022015). Collection method: clinical testing. Allele origin: germline.

Blueprint Genetics
Classification: Likely benign. Last evaluated: 2024-11-27. Review status: criteria provided, single submitter. Criteria: ACMG Guidelines, 2015. Collection method: clinical testing. Allele origin: germline.

Genome-Nilou Lab
Classification: Benign for MPI-congenital disorder of glycosylation. Last evaluated: 2021-07-10. Review status: criteria provided, single submitter. Criteria: ACMG Guidelines, 2015. Collection method: clinical testing. Allele origin: germline. Affected: no.

Illumina Laboratory Services, Illumina
Classification: Benign for MPI-congenital disorder of glycosylation. Last evaluated: 2018-01-13. Review status: criteria provided, single submitter. Criteria: ICSL Variant Classification Criteria 13 December 2019. Collection method: clinical testing. Allele origin: germline.
Comment: This variant was observed in the ICSL laboratory as part of a predisposition screen in an ostensibly healthy population. It had not been previously curated by ICSL or reported in the Human Gene Mutation Database (HGMD: prior to June 1st, 2018), and was therefore a candidate for classification through an automated scoring system. Utilizing variant allele frequency, disease prevalence and penetrance estimates, and inheritance mode, an automated score was calculated to assess if this variant is too frequent to cause the disease. Based on the score and internal cut-off values, a variant classified as benign is not then subjected to further curation. The score for this variant resulted in a classification of benign for this disease.

Mayo Clinic Laboratories, Mayo Clinic
Classification: Benign. Last evaluated: 2017-12-19. Review status: criteria provided, single submitter. Criteria: ACMG Guidelines, 2015. Collection method: clinical testing. Allele origin: germline. Observed: 26 variant alleles.

Laboratory for Molecular Medicine, Mass General Brigham Personalized Medicine
Classification: Benign. Last evaluated: 2016-03-28. Review status: criteria provided, single submitter. Criteria: LMM Criteria. Collection method: clinical testing. Allele origin: germline.
Comment: Variant identified in a genome or exome case(s) and assessed due to predicted null impact of the variant or pathogenic assertions in the literature or databases. Disclaimer: This variant has not undergone full assessment. The following are preliminary notes: 37% of total chromosomes in ExAC

GeneDx
Classification: Benign. Last evaluated: 2015-12-02. Review status: criteria provided, single submitter. Criteria: GeneDx Variant Classification (06012015). Collection method: clinical testing. Allele origin: germline. Affected: yes.
Comment: This variant is considered likely benign or benign based on one or more of the following criteria: it is a conservative change, it occurs at a poorly conserved position in the protein, it is predicted to be benign by multiple in silico algorithms, and/or has population frequency not consistent with disease.

Eurofins Ntd Llc (ga)
Classification: Benign. Last evaluated: 2012-07-10. Review status: criteria provided, single submitter. Criteria: EGL Classification Definitions 2015. Collection method: clinical testing. Allele origin: germline. Observed: 30 variant alleles, 16 heterozygotes, 14 homozygotes.

Breakthrough Genomics
Classification: Benign. Review status: criteria provided, single submitter. Criteria: ACMG Guidelines, 2015. Collection method: not provided. Allele origin: germline. Inheritance: Autosomal recessive inheritance. Affected: yes.

PreventionGenetics, part of Exact Sciences
Classification: Benign. Review status: criteria provided, single submitter. Criteria: ACMG Guidelines, 2015. Collection method: clinical testing. Allele origin: germline.

Clinical Genetics, Academic Medical Center
Classification: Benign. Review status: no assertion criteria provided. Collection method: clinical testing. Allele origin: germline. Affected: yes. Study: VKGL Data-share Consensus. Not counted in ClinVar's aggregate classification.

Diagnostic Laboratory, Department of Genetics, University Medical Center Groningen
Classification: Benign for MPI-congenital disorder of glycosylation. Review status: no assertion criteria provided. Collection method: clinical testing. Allele origin: germline. Affected: yes. Study: VKGL Data-share Consensus. Not counted in ClinVar's aggregate classification.

NM_002435.3(MPI):c.345+15G>A

Gene: MPI (mannose phosphate isomerase; plus strand). Cytogenetic location: 15q24.1.
Variant type: single nucleotide variant.
Coding change: c.345+15G>A on transcript NM_002435.3 (MANE Select); 15 bases into the intron after coding-DNA position 345, G replaced by A.
Molecular consequence: intron variant.
Genome position (GRCh38, 1-based): chr15:74,891,594, G>A. VCF-style: chr15-74891594-G-A. GRCh37 (hg19) VCF-style: chr15-75183935-G-A.
Other names: p.?; c.285+15G>A (NM_001330372.2); c.345+15G>A (NM_001289155.2, NM_001289157.2); c.195+15G>A (NM_001289156.2).
Identifiers: ClinVar variation 94067 (VCV000094067.28), dbSNP rs11638130, ClinGen allele CA147579.
Genomic context (GRCh38, chr15:74,891,594, plus strand): 5'-GCTCTCAGTTGAAACACCCCTGTCCATCCAGGCACACCCTAACAAGGTAAAGGACAGAGT[G>A]CGGTGCAGAGGTCAGGGTACAGAAGGGCTTATGCTAAGGCCCTCCCGTGACTTTTACTGC-3'